The following is an entry in ClinVar:

NM_001110556.2(FLNA):c.4346C>T (p.Ser1449Phe)

Gene: FLNA (filamin A; minus strand). Cytogenetic location: Xq28.
Variant type: single nucleotide variant.
Coding change: c.4346C>T on transcript NM_001110556.2 (MANE Select); coding-DNA position 4346, C replaced by T.
Protein change: p.Ser1449Phe; replaces serine 1449 with phenylalanine.
Molecular consequence: missense variant.
Genome position (GRCh38, 1-based): chrX:154,359,112, G>A on the plus strand (C>T on the coding strand, the complement: FLNA is on the minus strand). VCF-style: chrX-154359112-G-A. GRCh37 (hg19) VCF-style: chrX-153587480-G-A.
Other names: c.4346C>T, p.Ser1449Phe (NM_001456.4); short protein forms S1449F.
Identifiers: ClinVar variation 4088155 (VCV004088155.2).

ClinVar aggregate classification (germline): Uncertain significance (1 of 4 stars; one submission).

Submission:

GeneDx
Classification: Uncertain significance. Last evaluated: 2025-10-28. Review status: criteria provided, single submitter. Criteria: GeneDx Variant Classification Process June 2021. Collection method: clinical testing. Allele origin: germline.
Comment: Not observed at significant frequency in large population cohorts (gnomAD); In silico analysis supports that this missense variant has a deleterious effect on protein structure/function; Has not been previously published as pathogenic or benign to our knowledge